The following is an entry in ClinVar:

ClinVar aggregate classification (germline): Uncertain significance (1 of 4 stars; one submission).

Submission:

GeneDx
Classification: Uncertain significance. Last evaluated: 2024-12-18. Review status: criteria provided, single submitter. Criteria: GeneDx Variant Classification Process June 2021. Collection method: clinical testing. Allele origin: germline. Affected: yes.
Comment: Not observed at significant frequency in large population cohorts (gnomAD); Nonsense variant predicted to result in protein truncation as the last 29 amino acids are lost; Has not been previously published as pathogenic or benign to our knowledge

NM_000090.4(COL3A1):c.4312_4324del (p.Val1437_Arg1438insTer)

Gene: COL3A1 (collagen type III alpha 1 chain; plus strand). Cytogenetic location: 2q32.2.
Variant type: Deletion.
Coding change: c.4312_4324del on transcript NM_000090.4 (MANE Select); coding-DNA positions 4312 to 4324, 13 bases deleted (AGACTACCTATTG).
Protein change: p.Val1437_Arg1438insTer.
Molecular consequence: nonsense. On other transcripts: frameshift variant (1).
Genome position (GRCh38, 1-based): chr2:189,011,685-189,011,697, AGACTACCTATTG deleted; deleting any 13 consecutive bases within chr2:189,011,683-189,011,697 gives the same sequence; the c. name uses the placement nearest the transcript's 3' end. VCF-style (leftmost placement, unchanged base first): chr2-189011682-GTGAGACTACCTAT-G. GRCh37 (hg19) VCF-style: chr2-189876408-GTGAGACTACCTAT-G.
Other names: c.4312_4324delAGACTACCTATTG, p.Arg1438Terfs (NM_000090.3).
Identifiers: ClinVar variation 3906759 (VCV003906759.1).